The following is an entry in ClinVar:

ClinVar aggregate classification (germline): Uncertain significance. Review status: criteria provided, multiple submitters, no conflicts (2 of 4 stars). 2 submissions from 2 submitters: Uncertain significance (2). Last evaluated 2025-10-25.

Allele frequency attached by ClinVar (database versions not stated): TOPMed 0.00002; gnomAD exomes 0.00004; ExAC 0.00011; gnomAD 0.00014; ESP Exome Variant Server 0.00015; 1000 Genomes Project 30x 0.00016; 1000 Genomes Project 0.00020.
gnomAD v4.1: 82 of 1,614,120 alleles (0.0051%); highest among the groups gnomAD compares: Non-Finnish European, 0.002%; no homozygotes.

Submissions (2):

Ambry Genetics
Classification: Uncertain significance. Last evaluated: 2025-10-25. Review status: criteria provided, single submitter. Criteria: Ambry Variant Classification Scheme 2023. Collection method: clinical testing. Allele origin: germline.

Labcorp Genetics (formerly Invitae), Labcorp
Classification: Uncertain significance. Last evaluated: 2022-07-18. Review status: criteria provided, single submitter. Criteria: Invitae Variant Classification Sherloc (09022015). Collection method: clinical testing. Allele origin: germline.
Comment: In summary, the available evidence is currently insufficient to determine the role of this variant in disease. Therefore, it has been classified as a Variant of Uncertain Significance. Algorithms developed to predict the effect of missense changes on protein structure and function are either unavailable or do not agree on the potential impact of this missense change (SIFT: "Deleterious"; PolyPhen-2: "Benign"; Align-GVGD: "Class C0"). This variant has not been reported in the literature in individuals affected with BMP7-related conditions. This variant is present in population databases (rs201575559, gnomAD 0.09%), and has an allele count higher than expected for a pathogenic variant. This sequence change replaces arginine, which is basic and polar, with histidine, which is basic and polar, at codon 150 of the BMP7 protein (p.Arg150His).

NM_001719.3(BMP7):c.449G>A (p.Arg150His)

Gene: BMP7 (bone morphogenetic protein 7; minus strand). Cytogenetic location: 20q13.31.
Variant type: single nucleotide variant.
Coding change: c.449G>A on transcript NM_001719.3 (MANE Select); coding-DNA position 449, G replaced by A.
Protein change: p.Arg150His; replaces arginine 150 with histidine.
Molecular consequence: missense variant.
Genome position (GRCh38, 1-based): chr20:57,228,391, C>T on the plus strand (G>A on the coding strand, the complement: BMP7 is on the minus strand). VCF-style: chr20-57228391-C-T. GRCh37 (hg19) VCF-style: chr20-55803447-C-T.
Other names: c.449G>A (NM_001719.2); short protein forms R150H.
Identifiers: ClinVar variation 2177081 (VCV002177081.5), dbSNP rs201575559, ClinGen allele CA9919818.